The following is an entry in ClinVar:

ClinVar aggregate classification (germline): Uncertain significance (1 of 4 stars; one submission).

Allele frequency attached by ClinVar (database versions not stated): gnomAD exomes below 0.00001 and 0.00001; TOPMed below 0.00001; ExAC 0.00001.
gnomAD v4.1: 5 of 1,612,786 alleles (0.00031%); highest among the groups gnomAD compares: Non-Finnish European, 0.00042%; no homozygotes.

Submission:

GeneDx
Classification: Uncertain significance. Last evaluated: 2017-08-17. Review status: criteria provided, single submitter. Criteria: GeneDx Variant Classification (06012015). Collection method: clinical testing. Allele origin: germline. Affected: yes.
Comment: The I1390T variant in the SCN2A gene has not been reported previously as a pathogenic variant, nor as a benign variant, to our knowledge. The I1390T variant is not observed at a significant frequency in large population cohorts (Lek et al., 2016; 1000 Genomes Consortium et al., 2015; Exome Variant Server). The I1390T variant is a non-conservative amino acid substitution, which is likely to impact secondary protein structure as these residues differ in polarity, charge, size and/or other properties. This substitution occurs at a position that is conserved in mammals. In silico analysis is inconsistent in its predictions as to whether or not the variant is damaging to the protein structure/function. We interpret I1390T as a variant of uncertain significance

NM_001040142.2(SCN2A):c.4169T>C (p.Ile1390Thr)

Gene: SCN2A (sodium voltage-gated channel alpha subunit 2; plus strand). Cytogenetic location: 2q24.3.
Variant type: single nucleotide variant.
Coding change: c.4169T>C on transcript NM_001040142.2 (MANE Select); coding-DNA position 4169, T replaced by C.
Protein change: p.Ile1390Thr; replaces isoleucine 1390 with threonine.
Molecular consequence: missense variant.
Genome position (GRCh38, 1-based): chr2:165,374,881, T>C. VCF-style: chr2-165374881-T-C. GRCh37 (hg19) VCF-style: chr2-166231391-T-C.
Other names: c.4169T>C, p.Ile1390Thr (NM_001040143.2, NM_001371246.1, NM_001371247.1 and 1 more transcripts); short protein forms I1390T.
Identifiers: ClinVar variation 451404 (VCV000451404.2), dbSNP rs758703434, ClinGen allele CA1940229.